The following is an entry in ClinVar:

NM_006206.6(PDGFRA):c.2405T>C (p.Val802Ala)

Gene: PDGFRA (platelet derived growth factor receptor alpha; plus strand). Cytogenetic location: 4q12.
Variant type: single nucleotide variant.
Coding change: c.2405T>C on transcript NM_006206.6 (MANE Select); coding-DNA position 2405, T replaced by C.
Protein change: p.Val802Ala; replaces valine 802 with alanine.
Molecular consequence: missense variant.
Genome position (GRCh38, 1-based): chr4:54,285,452, T>C. VCF-style: chr4-54285452-T-C. GRCh37 (hg19) VCF-style: chr4-55151619-T-C.
Other names: c.2480T>C, p.Val827Ala (NM_001347828.2); c.2405T>C, p.Val802Ala (NM_001347829.2); c.2444T>C, p.Val815Ala (NM_001347830.2); short protein forms V802A, V827A, V815A.
Identifiers: ClinVar variation 5026398 (VCV005026398.1).

ClinVar aggregate classification (germline): Uncertain significance (1 of 4 stars; one submission).

Conditions:
Hereditary cancer-predisposing syndrome. Also called: Neoplastic Syndromes, Hereditary; Tumor predisposition; Hereditary neoplastic syndrome; Hereditary Cancer Syndrome. Identifiers: Orphanet 140162, MedGen C0027672, MeSH D009386, MONDO:0015356.

Submission:

Ambry Genetics
Classification: Uncertain significance for Hereditary cancer-predisposing syndrome. Last evaluated: 2026-06-16. Review status: criteria provided, single submitter. Criteria: Ambry Variant Classification Scheme 2023. Collection method: clinical testing. Allele origin: germline.
Comment: The p.V802A variant (also known as c.2405T>C), located in coding exon 16 of the PDGFRA gene, results from a T to C substitution at nucleotide position 2405. The valine at codon 802 is replaced by alanine, an amino acid with similar properties. This amino acid position is conserved. In addition, this alteration is predicted to be deleterious by in silico analysis. Based on the available evidence, the clinical significance of this variant remains unclear.